The following is an entry in ClinVar:

ClinVar aggregate classification (germline): Uncertain significance. Review status: criteria provided, multiple submitters, no conflicts (2 of 4 stars). 2 submissions from 2 submitters: Uncertain significance (2). Last evaluated 2024-10-22.

Submissions (2):

Labcorp Genetics (formerly Invitae), Labcorp
Classification: Uncertain significance. Last evaluated: 2024-10-22. Review status: criteria provided, single submitter. Criteria: Invitae Variant Classification Sherloc (09022015). Collection method: clinical testing. Allele origin: germline.
Comment: This variant, c.6010_6012del, results in the deletion of 1 amino acid(s) of the ASPM protein (p.Tyr2004del), but otherwise preserves the integrity of the reading frame. This variant is present in population databases (rs766576049, gnomAD 0.0009%). This variant has not been reported in the literature in individuals affected with ASPM-related conditions. Experimental studies and prediction algorithms are not available or were not evaluated, and the functional significance of this variant is currently unknown. In summary, the available evidence is currently insufficient to determine the role of this variant in disease. Therefore, it has been classified as a Variant of Uncertain Significance.

Blueprint Genetics
Classification: Uncertain significance. Last evaluated: 2024-09-30. Review status: criteria provided, single submitter. Criteria: ACMG Guidelines, 2015. Collection method: clinical testing. Allele origin: germline.

NM_018136.5(ASPM):c.6007TAT[1] (p.Tyr2004del)

Gene: ASPM (assembly factor for spindle microtubules; minus strand). Cytogenetic location: 1q31.3.
Variant type: Microsatellite.
Coding change: c.6007TAT[1] on transcript NM_018136.5 (MANE Select); one copy of the 3-base unit TAT starting at c.6007; the reference has two copies in a row; one copy, 3 bases deleted.
Protein change: p.Tyr2004del; deletes tyrosine 2004.
Molecular consequence: inframe deletion. On other transcripts: intron variant (1).
Genome position (GRCh38, 1-based): chr1:197,103,239-197,103,241, ATA deleted on the plus strand (TAT on the coding strand, the reverse complement: ASPM is on the minus strand); deleting any 3 consecutive bases within chr1:197,103,239-197,103,244 gives the same sequence; the position shown is the placement nearest the transcript's 3' end. VCF-style (leftmost placement, unchanged base first): chr1-197103238-TATA-T. GRCh37 (hg19) VCF-style: chr1-197072368-TATA-T.
Other names: c.4066-7077_4066-7075del (NM_001206846.2); short protein forms Y2004del.
Identifiers: ClinVar variation 3605542 (VCV003605542.3).
Genomic context (GRCh38, chr1:197,103,238, plus strand): 5'-CTACAGCTGCTTTTGTTTTCAAATATAAATGATTCTGTTCTCTTCCAATACTGTAAGCCC[TATA>T]ATACTTTTGAATCAGAAGAGCAGCTTTTTTCATGATTTTCCACTTCTTTTGTTGCACATG-3'